The following is an entry in ClinVar:

NM_000548.5(TSC2):c.337-1G>A

Gene: TSC2 (TSC complex subunit 2; plus strand). Cytogenetic location: 16p13.3.
Variant type: single nucleotide variant.
Coding change: c.337-1G>A on transcript NM_000548.5 (MANE Select); the canonical splice acceptor site of the intron before coding-DNA position 337, G replaced by A.
Molecular consequence: splice acceptor variant. On other transcripts: intron variant (6).
Genome position (GRCh38, 1-based): chr16:2,054,295, G>A. VCF-style: chr16-2054295-G-A. GRCh37 (hg19) VCF-style: chr16-2104296-G-A.
Other names: c.280-1G>A (NM_001406677.1); c.190-1G>A (NM_001406675.1, NM_001406676.1, NM_001318829.2 and 1 more transcripts); c.-1-1901G>A (NM_001406686.1, NM_001406682.1, NM_001406684.1 and 3 more transcripts); c.370-1G>A (NM_001318832.2); c.-1311-1G>A (NM_001406693.1); c.427-1G>A (NM_001406667.1, NM_001406668.1); c.-480-1G>A (NM_001406680.1, NM_001406683.1, NM_001406687.1); c.-1095-1G>A (NM_001406689.1, NM_001406690.1, NM_001406692.1 and 2 more transcripts); and 6 more.
Identifiers: ClinVar variation 65038 (VCV000065038.10), dbSNP rs45517105, ClinGen allele CA019014.
Genomic context (GRCh38, chr16:2,054,295, plus strand): 5'-TCTTGGCAGCCGTGTGGGCGACGCTGGCAGGCTCTGCTGATCCTGTGGCTTTTGTCTTTA[G>A]GGCGAGCGTTTGGGGGTCCTCAGAGCCCTCTTCTTTAAGGTCATCAAGGATTACCCTTCC-3'

ClinVar aggregate classification (germline): Pathogenic. Review status: criteria provided, multiple submitters, no conflicts (2 of 4 stars). 5 submissions from 5 submitters: Pathogenic (4). 1 of the submissions does not count toward it. Last evaluated 2021-11-07.

Conditions:
Tuberous sclerosis syndrome (TSC). Also called: Tuberous Sclerosis Complex; Tuberous sclerosis. Identifiers: Orphanet 805, MedGen C0041341, MONDO:0001734.
Tuberous sclerosis 2 (TSC2). Identifiers: Orphanet 805, MedGen C1860707, MONDO:0013199, OMIM 613254.

Submissions (5):

Genome-Nilou Lab
Classification: Pathogenic for Tuberous sclerosis 2. Last evaluated: 2021-11-07. Review status: criteria provided, single submitter. Criteria: ACMG Guidelines, 2015. Collection method: clinical testing. Allele origin: germline. Affected: no.

Division of Genomic Medicine, Department of Advanced Medicine, Medical Research Institute, Kanazawa Medical University
Classification: Pathogenic for Tuberous sclerosis 2. Last evaluated: 2020-07-10. Review status: criteria provided, single submitter. Criteria: ACMG Guidelines, 2015. Collection method: clinical testing. Allele origin: germline. Affected: yes. Observed: 1 variant allele.

Labcorp Genetics (formerly Invitae), Labcorp
Classification: Pathogenic for Tuberous sclerosis 2. Last evaluated: 2017-07-30. Review status: criteria provided, single submitter. Criteria: Invitae Variant Classification Sherloc (09022015). Collection method: clinical testing. Allele origin: germline.
Comment: For these reasons, this variant has been classified as Pathogenic. Donor and acceptor splice site variants typically lead to a loss of protein function (PMID: 16199547), and loss-of-function variants in TSC2 are known to be pathogenic (PMID: 10205261, 17304050). A different variant affecting this nucleotide (c.337-1G>T) has been reported in an individual affected with TSC (PMID: 10735580). This suggests that this nucleotide is important for normal RNA splicing, and that variants at this position may be pathogenic. Algorithms developed to predict the effect of sequence changes on RNA splicing suggest that this variant may disrupt the consensus splice site, but this prediction has not been confirmed by published transcriptional studies. This variant has been reported in an individual affected with tuberous sclerosis complex (TSC) (PMID: 23389244). This variant is also known as IVS3-1G>A in the literature. ClinVar contains an entry for this variant (Variation ID: 65038). This variant is not present in population databases (ExAC no frequency). This sequence change affects an acceptor splice site in intron 4 of the TSC2 gene. It is expected to disrupt RNA splicing and likely results in an absent or disrupted protein product.

Athena Diagnostics
Classification: Pathogenic. Last evaluated: 2016-12-05. Review status: criteria provided, single submitter. Criteria: Athena Diagnostics Criteria. Collection method: clinical testing. Allele origin: germline.

Tuberous sclerosis database (TSC2)
No classification provided. Condition: TSC. Review status: no classification provided. Criteria: Tuberous Sclerosis Database Assertion Criteria 2015. Collection method: curation. Allele origin: germline. Affected: yes. Not counted in ClinVar's aggregate classification.

Literature cited by the submitters: PubMed 16199547 (cited by Labcorp Genetics (formerly Invitae), Labcorp); PubMed 10205261 (cited by Labcorp Genetics (formerly Invitae), Labcorp); PubMed 17304050 (cited by Labcorp Genetics (formerly Invitae), Labcorp); PubMed 10735580 (cited by Labcorp Genetics (formerly Invitae), Labcorp); PubMed 23389244 (cited by Labcorp Genetics (formerly Invitae), Labcorp and Athena Diagnostics).